The following is an entry in ClinVar:

NM_000170.3(GLDC):c.2362C>G (p.Leu788Val)

Gene: GLDC (glycine decarboxylase; minus strand). Cytogenetic location: 9p24.1.
Variant type: single nucleotide variant.
Coding change: c.2362C>G on transcript NM_000170.3 (MANE Select); coding-DNA position 2362, C replaced by G.
Protein change: p.Leu788Val; replaces leucine 788 with valine.
Molecular consequence: missense variant.
Genome position (GRCh38, 1-based): chr9:6,553,463, G>C on the plus strand (C>G on the coding strand, the complement: GLDC is on the minus strand). VCF-style: chr9-6553463-G-C. GRCh37 (hg19) VCF-style: chr9-6553463-G-C.
Other names: short protein forms L788V.
Identifiers: ClinVar variation 965375 (VCV000965375.11), dbSNP rs139300551, ClinGen allele CA4980251.
Genomic context (GRCh38, chr9:6,553,463, plus strand): 5'-TGGAGCCCCATGGGGCCGCACTGACGGTTCCCACAGGACAGGCATCCTCATTCCGCTTTA[G>C]TGAAATGACGGGATGATTGGGCAAAAACGGGGCGAGATGTTTCTTCCTGTATTTTTTTTA-3'
Protein context (NP_000161.2, residues 778-798): PFLPNHPVIS[Leu788Val]KRNEDACPVG

ClinVar aggregate classification (germline): Conflicting classifications of pathogenicity. Review status: criteria provided, conflicting classifications (1 of 4 stars). 4 submissions from 4 submitters: Uncertain significance (2); Likely benign (1). 1 of the submissions does not count toward it. Last evaluated 2025-07-31.

Conditions:
Inborn genetic diseases. Identifiers: MedGen C0950123, MeSH D030342.
Glycine encephalopathy. Also called: Nonketotic hyperglycinemia; Non-ketotic hyperglycinemia. Identifiers: Orphanet 407, MedGen C0751748, MONDO:0011612, HP:0008288.

Allele frequency attached by ClinVar (database versions not stated): gnomAD exomes below 0.00001 and 0.00001; ExAC 0.00002; gnomAD 0.00003 and 0.00004; TOPMed 0.00007; ESP Exome Variant Server 0.00023.
gnomAD v4.1: 7 of 1,613,924 alleles (0.00043%); highest among the groups gnomAD compares: African/African-American, 0.008%; no homozygotes.

Submissions (4):

Ambry Genetics
Classification: Likely benign for Inborn genetic diseases. Last evaluated: 2025-07-31. Review status: criteria provided, single submitter. Criteria: Ambry Variant Classification Scheme 2023. Collection method: clinical testing. Allele origin: germline.

Labcorp Genetics (formerly Invitae), Labcorp
Classification: Uncertain significance for Glycine encephalopathy. Last evaluated: 2022-08-10. Review status: criteria provided, single submitter. Criteria: Invitae Variant Classification Sherloc (09022015). Collection method: clinical testing. Allele origin: germline.
Comment: This sequence change replaces leucine, which is neutral and non-polar, with valine, which is neutral and non-polar, at codon 788 of the GLDC protein (p.Leu788Val). This variant is present in population databases (rs139300551, gnomAD 0.008%). This variant has not been reported in the literature in individuals affected with GLDC-related conditions. ClinVar contains an entry for this variant (Variation ID: 965375). Advanced modeling of protein sequence and biophysical properties (such as structural, functional, and spatial information, amino acid conservation, physicochemical variation, residue mobility, and thermodynamic stability) performed at Invitae indicates that this missense variant is not expected to disrupt GLDC protein function. Algorithms developed to predict the effect of sequence changes on RNA splicing suggest that this variant may create or strengthen a splice site. In summary, the available evidence is currently insufficient to determine the role of this variant in disease. Therefore, it has been classified as a Variant of Uncertain Significance.

New York Genome Center
Classification: Uncertain significance for Glycine encephalopathy 1. Last evaluated: 2021-02-26. Review status: criteria provided, single submitter. Criteria: NYGC Assertion Criteria 2020. Collection method: clinical testing. Allele origin: inherited. Observed: 1 compound heterozygote. Study: CSER-NYCKidSeq.
Comment: The c.2362C>G (p.Leu788Val) variant identified in the GLDC gene substitutes a moderately conserved Leucine for Valine at amino acid 788/1021 (exon 20/25). This variant is found with low frequency in gnomAD(v3.1) (4 heterozygotes, 0 homozygotes; allele frequency: 2.63e-5) suggesting it is not a common benign variant in the populations represented in that database. In silico algorithms predict this variant to be Tolerated (SIFT; score:1.00) and Benign (REVEL; score:0.2) to the function of the canonical transcript. This variant is reported in ClinVar as a Variant of Uncertain Significance (VarID:965375), and to our current knowledge has not been reported in affected individuals in the literature. Given the lack of compelling evidence for its pathogenicity, the c.2362C>G (p.Leu788Val) variant identified in the GLDC gene is reported as a Variant of Uncertain Significance.

Natera, Inc.
Classification: Uncertain significance for Non-ketotic hyperglycinemia. Last evaluated: 2020-03-26. Review status: no assertion criteria provided. Collection method: clinical testing. Allele origin: germline. Not counted in ClinVar's aggregate classification.